The following is an entry in ClinVar:

NM_000235.4(LIPA):c.1009A>G (p.Thr337Ala)

Gene: LIPA (lipase A, lysosomal acid type; minus strand). Cytogenetic location: 10q23.31.
Variant type: single nucleotide variant.
Coding change: c.1009A>G on transcript NM_000235.4 (MANE Select); coding-DNA position 1009, A replaced by G.
Protein change: p.Thr337Ala; replaces threonine 337 with alanine.
Molecular consequence: missense variant.
Genome position (GRCh38, 1-based): chr10:89,215,019, T>C on the plus strand (A>G on the coding strand, the complement: LIPA is on the minus strand). VCF-style: chr10-89215019-T-C. GRCh37 (hg19) VCF-style: chr10-90974776-T-C.
Other names: c.1009A>G, p.Thr337Ala (NM_001127605.3); c.661A>G, p.Thr221Ala (NM_001288979.2); short protein forms T337A, T221A.
Identifiers: ClinVar variation 301573 (VCV000301573.25), dbSNP rs143793106, ClinGen allele CA5593532.

ClinVar aggregate classification (germline): Benign/Likely benign. Review status: criteria provided, multiple submitters, no conflicts (2 of 4 stars). 6 submissions from 6 submitters: Benign (1); Likely benign (4). 1 of the submissions does not count toward it. Last evaluated 2026-01-27.

Conditions:
Cardiovascular phenotype. Identifiers: MedGen CN230736.
Wolman disease (WOLD). Also called: LYSOSOMAL ACID LIPASE DEFICIENCY, ACUTE INFANTILE; LYSOSOMAL ACID LIPASE DEFICIENCY, COMPLETE; LIPA DEFICIENCY, COMPLETE; LAL DEFICIENCY, COMPLETE; CHOLESTEROL ESTER HYDROLASE DEFICIENCY, COMPLETE; Acid cholesteryl ester hydrolase deficiency, Wolman type. Identifiers: Orphanet 75233, MedGen C0043208, MONDO:0019148, OMIM 620151.
Lysosomal acid lipase deficiency. Also called: Acid cholesteryl ester hydrolase deficiency, type 2. Identifiers: Orphanet 275761, MedGen C5574740, MONDO:0800449, MONDO:0010204.

Allele frequency attached by ClinVar (database versions not stated): gnomAD exomes 0.00037 and 0.00073; ExAC 0.00069; gnomAD 0.00033 and 0.00022; 1000 Genomes Project 30x 0.00203; 1000 Genomes Project 0.00220; TOPMed 0.00048.
gnomAD v4.1: 583 of 1,614,126 alleles (0.036%); highest among the groups gnomAD compares: East Asian, 1.3%; 3 homozygotes.

Submissions (6):

Labcorp Genetics (formerly Invitae), Labcorp
Classification: Likely benign for Wolman disease. Last evaluated: 2026-01-27. Review status: criteria provided, single submitter. Criteria: Invitae Variant Classification Sherloc (09022015). Collection method: clinical testing. Allele origin: germline.

Ambry Genetics
Classification: Likely benign for Cardiovascular phenotype. Last evaluated: 2024-09-05. Review status: criteria provided, single submitter. Criteria: Ambry Variant Classification Scheme 2023. Collection method: clinical testing. Allele origin: germline.

GENinCode PLC
Classification: Benign for Lysosomal acid lipase deficiency. Last evaluated: 2024-04-10. Review status: criteria provided, single submitter. Criteria: ACMG Guidelines, 2015. Collection method: clinical testing. Allele origin: germline.

Illumina Laboratory Services, Illumina
Classification: Likely benign for Cholesteryl ester storage disease. Last evaluated: 2018-01-13. Review status: criteria provided, single submitter. Criteria: ICSL Variant Classification Criteria 13 December 2019. Collection method: clinical testing. Allele origin: germline.
Comment: This variant was observed in the ICSL laboratory as part of a predisposition screen in an ostensibly healthy population. It had not been previously curated by ICSL or reported in the Human Gene Mutation Database (HGMD: prior to June 1st, 2018), and was therefore a candidate for classification through an automated scoring system. Utilizing variant allele frequency, disease prevalence and penetrance estimates, and inheritance mode, an automated score was calculated to assess if this variant is too frequent to cause the disease. Based on the score and internal cut-off values, a variant classified as likely benign is not then subjected to further curation. The score for this variant resulted in a classification of likely benign for this disease.

Eurofins Ntd Llc (ga)
Classification: Likely benign. Last evaluated: 2016-12-19. Review status: criteria provided, single submitter. Criteria: EGL Classification Definitions 2015. Collection method: clinical testing. Allele origin: germline. Observed: 2 variant alleles, 2 heterozygotes.

Natera, Inc.
Classification: Likely benign for Lysosomal acid lipase deficiency. Last evaluated: 2020-09-16. Review status: no assertion criteria provided. Collection method: clinical testing. Allele origin: germline. Not counted in ClinVar's aggregate classification.